The following is an entry in ClinVar:

ClinVar aggregate classification (germline): Uncertain significance (1 of 4 stars; one submission).

Submission:

GeneDx
Classification: Uncertain significance. Last evaluated: 2024-06-18. Review status: criteria provided, single submitter. Criteria: GeneDx Variant Classification Process June 2021. Collection method: clinical testing. Allele origin: germline. Affected: yes.
Comment: Not observed at significant frequency in large population cohorts (gnomAD); In silico analysis supports that this missense variant has a deleterious effect on protein structure/function; Has not been previously published as pathogenic or benign to our knowledge; Variants in candidate genes are classified as variants of uncertain significance in accordance with ACMG guidelines (PMID: 25741868)

NM_001286445.3(RIPOR2):c.2927C>T (p.Ala976Val)

Gene: RIPOR2 (RHO family interacting cell polarization regulator 2; minus strand). Cytogenetic location: 6p22.3.
Variant type: single nucleotide variant.
Coding change: c.2927C>T on transcript NM_001286445.3 (MANE Select); coding-DNA position 2927, C replaced by T.
Protein change: p.Ala976Val; replaces alanine 976 with valine.
Molecular consequence: missense variant.
Genome position (GRCh38, 1-based): chr6:24,818,567, G>A on the plus strand (C>T on the coding strand, the complement: RIPOR2 is on the minus strand). VCF-style: chr6-24818567-G-A. GRCh37 (hg19) VCF-style: chr6-24818795-G-A.
Other names: c.2840C>T, p.Ala947Val (NM_001346031.2, NM_001346032.2); c.2990C>T, p.Ala997Val (NM_014722.5); short protein forms A947V, A976V, A997V.
Identifiers: ClinVar variation 3391656 (VCV003391656.1).